The following is an entry in ClinVar:

ClinVar aggregate classification (germline): Uncertain significance (1 of 4 stars; one submission).

Submission:

Labcorp Genetics (formerly Invitae), Labcorp
Classification: Uncertain significance. Last evaluated: 2022-09-07. Review status: criteria provided, single submitter. Criteria: Invitae Variant Classification Sherloc (09022015). Collection method: clinical testing. Allele origin: germline.
Comment: In summary, the available evidence is currently insufficient to determine the role of this variant in disease. Therefore, it has been classified as a Variant of Uncertain Significance. Algorithms developed to predict the effect of missense changes on protein structure and function are either unavailable or do not agree on the potential impact of this missense change (SIFT: "Deleterious"; PolyPhen-2: "Possibly Damaging"; Align-GVGD: "Class C0"). ClinVar contains an entry for this variant (Variation ID: 1521287). This variant has not been reported in the literature in individuals affected with SKIV2L-related conditions. This variant is not present in population databases (gnomAD no frequency). This sequence change replaces isoleucine, which is neutral and non-polar, with methionine, which is neutral and non-polar, at codon 716 of the SKIV2L protein (p.Ile716Met).

NM_006929.5(SKIC2):c.2148C>G (p.Ile716Met)

Gene: SKIC2 (SKI2 subunit of superkiller complex; plus strand). Cytogenetic location: 6p21.33.
Variant type: single nucleotide variant.
Coding change: c.2148C>G on transcript NM_006929.5 (MANE Select); coding-DNA position 2148, C replaced by G.
Protein change: p.Ile716Met; replaces isoleucine 716 with methionine.
Molecular consequence: missense variant.
Genome position (GRCh38, 1-based): chr6:31,965,959, C>G. VCF-style: chr6-31965959-C-G. GRCh37 (hg19) VCF-style: chr6-31933736-C-G.
Other names: short protein forms I716M.
Identifiers: ClinVar variation 1521287 (VCV001521287.8), dbSNP rs769494661, ClinGen allele CA363468585.